The following is an entry in ClinVar:

NM_017934.7(PHIP):c.3787C>G (p.Gln1263Glu)

Genes: IRAK1BP1 (interleukin 1 receptor associated kinase 1 binding protein 1; plus strand), PHIP (PHIP subunit of CUL4-Ring ligase complex; minus strand). Cytogenetic location: 6q14.1.
Variant type: single nucleotide variant.
Coding change: c.3787C>G on transcript NM_017934.7 (MANE Select); coding-DNA position 3787, C replaced by G.
Protein change: p.Gln1263Glu; replaces glutamine 1263 with glutamic acid.
Molecular consequence: missense variant.
Genome position (GRCh38, 1-based): chr6:78,955,678, G>C on the plus strand (C>G on the coding strand, the complement: PHIP is on the minus strand). VCF-style: chr6-78955678-G-C. GRCh37 (hg19) VCF-style: chr6-79665395-G-C.
Other names: short protein forms Q1263E.
Identifiers: ClinVar variation 2734916 (VCV002734916.3), dbSNP rs2481838063, ClinGen allele CA364644241.

ClinVar aggregate classification (germline): Uncertain significance (1 of 4 stars; one submission).

Submission:

Labcorp Genetics (formerly Invitae), Labcorp
Classification: Uncertain significance. Last evaluated: 2023-06-17. Review status: criteria provided, single submitter. Criteria: Invitae Variant Classification Sherloc (09022015). Collection method: clinical testing. Allele origin: germline.
Comment: In summary, the available evidence is currently insufficient to determine the role of this variant in disease. Therefore, it has been classified as a Variant of Uncertain Significance. Advanced modeling of protein sequence and biophysical properties (such as structural, functional, and spatial information, amino acid conservation, physicochemical variation, residue mobility, and thermodynamic stability) performed at Invitae indicates that this missense variant is not expected to disrupt PHIP protein function. This missense change has been observed in individual(s) with PHIP-related conditions (PMID: 27824329, 28191890, 28714951). This variant is not present in population databases (gnomAD no frequency). This sequence change replaces glutamine, which is neutral and polar, with glutamic acid, which is acidic and polar, at codon 1263 of the PHIP protein (p.Gln1263Glu).

Literature cited by the submitters: PubMed 27824329; PubMed 28191890; PubMed 28714951.